The following is an entry in ClinVar:

ClinVar aggregate classification (germline): Conflicting classifications of pathogenicity. Review status: criteria provided, conflicting classifications (1 of 4 stars). 3 submissions from 3 submitters: Uncertain significance (1); Likely benign (2). Last evaluated 2025-08-25.

Conditions:
Ataxia-telangiectasia-like disorder (ATLD). Identifiers: MedGen C1858391, MONDO:0011457.
Ataxia-telangiectasia-like disorder 1 (ATLD1). Identifiers: Orphanet 251347, MedGen C4012790, MONDO:0024557, OMIM 604391.

Allele frequency attached by ClinVar (database versions not stated): gnomAD 0.00003; gnomAD exomes 0.00003 and 0.00001; ExAC 0.00001; TOPMed 0.00002.
gnomAD v4.1: 48 of 1,612,454 alleles (0.003%); highest among the groups gnomAD compares: Non-Finnish European, 0.0041%; no homozygotes.

Submissions (3):

Labcorp Genetics (formerly Invitae), Labcorp
Classification: Likely benign for Ataxia-telangiectasia-like disorder. Last evaluated: 2025-08-25. Review status: criteria provided, single submitter. Criteria: Invitae Variant Classification Sherloc (09022015). Collection method: clinical testing. Allele origin: germline.

ARUP Laboratories, Molecular Genetics and Genomics, ARUP Laboratories
Classification: Likely benign for Ataxia-telangiectasia-like disorder 1. Last evaluated: 2022-03-11. Review status: criteria provided, single submitter. Criteria: ARUP Molecular Germline Variant Investigation Process 2021. Collection method: clinical testing. Allele origin: germline.

GeneDx
Classification: Uncertain significance. Last evaluated: 2013-12-11. Review status: criteria provided, single submitter. Criteria: GeneDx Variant Classification (06012015). Collection method: clinical testing. Allele origin: germline. Affected: yes.
Comment: MRE11A has been only recently described in association with cancer predisposition and the risks are not well understood. This variant is denoted MRE11A IVS8-12T>C or c.846-12T>C and consists of a T>C nucleotide substitution at the -12 position of intron 8 of the MRE11A gene. Multiple in silico prediction programs predict this variant to weaken a nearby canonical acceptor site, and to possibly cause abnormal gene splicing. This variant has not, to our knowledge, been published in the literature as pathogenic or benign. Based on the currently available information, we consider this variant to have unknown significance.

NM_005591.4(MRE11):c.846-12T>C

Gene: MRE11 (MRE11 double strand break repair nuclease; minus strand). Cytogenetic location: 11q21.
Variant type: single nucleotide variant.
Coding change: c.846-12T>C on transcript NM_005591.4 (MANE Select); 12 bases into the intron before coding-DNA position 846, T replaced by C.
Molecular consequence: intron variant.
Genome position (GRCh38, 1-based): chr11:94,470,654, A>G on the plus strand (T>C on the coding strand, the complement: MRE11 is on the minus strand). VCF-style: chr11-94470654-A-G. GRCh37 (hg19) VCF-style: chr11-94203820-A-G.
Other names: IVS8-12T>C; c.846-12T>C (NM_001330347.2, NM_005590.4).
Identifiers: ClinVar variation 127988 (VCV000127988.12), dbSNP rs587780145, ClinGen allele CA288187.